The following is an entry in ClinVar:

NM_000059.4(BRCA2):c.5660C>T (p.Thr1887Met)

Gene: BRCA2 (BRCA2 DNA repair associated; plus strand). Cytogenetic location: 13q13.1.
Variant type: single nucleotide variant.
Coding change: c.5660C>T on transcript NM_000059.4 (MANE Select); coding-DNA position 5660, C replaced by T.
Protein change: p.Thr1887Met; replaces threonine 1887 with methionine.
Molecular consequence: missense variant.
Genome position (GRCh38, 1-based): chr13:32,340,015, C>T. VCF-style: chr13-32340015-C-T. GRCh37 (hg19) VCF-style: chr13-32914152-C-T.
Other names: 5888C>T; short protein forms T1887M.
Identifiers: ClinVar variation 51901 (VCV000051901.41), dbSNP rs397507795, ClinGen allele CA022886.

ClinVar aggregate classification (germline): Conflicting classifications of pathogenicity. Review status: criteria provided, conflicting classifications (1 of 4 stars). 14 submissions from 14 submitters: Uncertain significance (9); Likely benign (2). 3 of the submissions do not count toward it. Last evaluated 2026-02-01.

Conditions:
BRCA2-related cancer predisposition. Identifiers: MedGen CN377758, MONDO:0700269.
BRCA2-related disorder. Also called: BRCA2-related condition; BRCA2-related disorders. Identifiers: MedGen CN239275.
Hereditary cancer-predisposing syndrome. Also called: Hereditary Cancer Syndrome; Tumor predisposition; Neoplastic Syndromes, Hereditary; Hereditary neoplastic syndrome. Identifiers: Orphanet 140162, MedGen C0027672, MeSH D009386, MONDO:0015356.
Breast-ovarian cancer, familial, susceptibility to, 2 (BROVCA2). Also called: BRCA2 Hereditary Breast and Ovarian Cancer. Identifiers: Orphanet 145, MedGen C2675520, MONDO:0012933, OMIM 612555. Disease mechanism: loss of function.
Familial cancer of breast. Also called: BREAST CANCER, FAMILIAL; hereditary breast carcinoma; Hereditary breast cancer. Identifiers: Orphanet 227535, MedGen C0346153, MONDO:0016419, OMIM 114480. Disease mechanism: loss of function.
Hereditary breast ovarian cancer syndrome. Also called: Breast and ovarian cancer; BRCA1- and BRCA2-Associated Hereditary Breast and Ovarian Cancer; Hereditary breast and ovarian cancer; Hereditary breast and ovarian cancer syndrome (HBOC); Hereditary breast and ovarian cancer syndrome; Hereditary breast and/or ovarian cancer syndrome. Identifiers: Orphanet 145, MedGen C0677776, MeSH D061325, MONDO:0003582. Disease mechanism: loss of function.

Allele frequency attached by ClinVar (database versions not stated): gnomAD exomes 0.00001 and 0.00002; ExAC 0.00002; TOPMed 0.00002.
gnomAD v4.1: 19 of 1,612,628 alleles (0.0012%); highest among the groups gnomAD compares: East Asian, 0.0089%; no homozygotes.

Submissions 1 to 7 of 14:

CeGaT Center for Human Genetics Tuebingen
Classification: Likely benign. Last evaluated: 2026-02-01. Review status: criteria provided, single submitter. Criteria: CeGaT Center For Human Genetics Tuebingen Variant Classification Criteria Version 2. Collection method: clinical testing. Allele origin: germline. Affected: yes. Observed: 2 variant alleles.
Comment: BRCA2: BP4, BS3:Supporting

Labcorp Genetics (formerly Invitae), Labcorp
Classification: Uncertain significance for Hereditary breast ovarian cancer syndrome. Last evaluated: 2026-01-10. Review status: criteria provided, single submitter. Criteria: Invitae Variant Classification Sherloc (09022015). Collection method: clinical testing. Allele origin: germline.
Comment: This sequence change replaces threonine, which is neutral and polar, with methionine, which is neutral and non-polar, at codon 1887 of the BRCA2 protein (p.Thr1887Met). This variant is present in population databases (rs397507795, gnomAD 0.01%). This missense change has been observed in individual(s) with breast and/or ovarian cancer (PMID: 15172753, 28351343, 29470806, 30287823). ClinVar contains an entry for this variant (Variation ID: 51901). Invitae Evidence Modeling of protein sequence and biophysical properties (such as structural, functional, and spatial information, amino acid conservation, physicochemical variation, residue mobility, and thermodynamic stability) indicates that this missense variant is not expected to disrupt BRCA2 protein function with a negative predictive value of 95%. In summary, the available evidence is currently insufficient to determine the role of this variant in disease. Therefore, it has been classified as a Variant of Uncertain Significance.

Quest Diagnostics Nichols Institute San Juan Capistrano
Classification: Uncertain significance. Last evaluated: 2025-09-17. Review status: criteria provided, single submitter. Criteria: Quest Diagnostics criteria. Collection method: clinical testing. Allele origin: unknown.
Comment: The BRCA2 c.5660C>T (p.Thr1887Met) variant has been reported in the published literature in individuals with a personal and/or family history of breast and/or ovarian cancer (PMID: 33471991 (2021), 30287823 (2018), 29470806 (2018), 27882536 (2016), 15172753 (2004), see also LOVD), prostate cancer (PMID: 31214711 (2020)), biliary tract cancer (PMID: 36243179 (2022)), colorectal cancer (PMID: 33309985 (2020)), and in reportedly healthy individuals (PMIDs: 30287823 (2018), 33309985 (2020), 32980694 (2020), 31214711 (2020), 33471991 (2021), 36243179 (2022), see also LOVD). Functional studies demonstrated that this variant has an inconclusive effect on protein function (PMID: 37731132 (2023)). The frequency of this variant in the general population (Genome Aggregation Database) is uninformative in the assessment of its pathogenicity. Analysis of this variant using bioinformatics tools for the prediction of the effect of amino acid changes on protein structure and function yielded predictions that this variant is benign. Based on the available information, we are unable to determine the clinical significance of this variant.

Ambry Genetics
Classification: Uncertain significance for Hereditary cancer-predisposing syndrome. Last evaluated: 2025-09-04. Review status: criteria provided, single submitter. Criteria: Ambry Variant Classification Scheme 2023. Collection method: clinical testing. Allele origin: germline.
Comment: The p.T1887M variant (also known as c.5660C>T), located in coding exon 10 of the BRCA2 gene, results from a C to T substitution at nucleotide position 5660. The threonine at codon 1887 is replaced by methionine, an amino acid with similar properties. This amino acid position is poorly conserved in available vertebrate species. In addition, this alteration is predicted to be tolerated by in silico analysis. Based on the available evidence, the clinical significance of this variant remains unclear.

All of Us Research Program, National Institutes of Health
Classification: Uncertain significance for BRCA2-related cancer predisposition. Last evaluated: 2024-02-22. Review status: criteria provided, single submitter. Criteria: ACMG Guidelines, 2015. Collection method: clinical testing. Allele origin: germline. Inheritance: Autosomal dominant inheritance. Observed: 2 variant alleles, 2 heterozygotes.
Comment: This missense variant replaces threonine with methionine at codon 1887 of the BRCA2 protein. Computational prediction suggests that this variant may not impact protein structure and function (internally defined REVEL score threshold <= 0.5, PMID: 27666373). To our knowledge, functional studies have not been reported for this variant. This variant has been reported in at least three suspected hereditary breast and ovarian cancer families (PMID: 15172753, 28351343, 29470806), over ten individuals affected with breast cancer (PMID: 30287823, 33471991, 35373174; Color internal data), and three individuals each affected with prostate and colorectal cancer (PMID: 31214711, 33309985). This variant also has been reported in at least eight unaffected individuals from breast, pancreatic, prostate and colorectal cancer case-control studies (PMID: 31214711, 32980694, 33309985, 33471991). This variant has been identified in 6/249646 chromosomes in the general population by the Genome Aggregation Database (gnomAD). The available evidence is insufficient to determine the role of this variant in disease conclusively. Therefore, this variant is classified as a Variant of Uncertain Significance.

This study involves interpretation of variants in research participants for the purpose of population health screening. Participant phenotype was not available at the time of variant classification. Additional details can be found in publication PMID: 35346344, PMCID: PMC8962531

Women's Health and Genetics/Laboratory Corporation of America, LabCorp
Classification: Uncertain significance. Last evaluated: 2024-02-01. Review status: criteria provided, single submitter. Criteria: LabCorp Variant Classification Summary - May 2015. Collection method: clinical testing. Allele origin: germline.
Comment: Variant summary: BRCA2 c.5660C>T (p.Thr1887Met) results in a non-conservative amino acid change located in the outside of any known domain or repeat of the encoded protein sequence. Four of five in-silico tools predict a benign effect of the variant on protein function. The variant allele was found at a frequency of 2.4e-05 in 249746 control chromosomes. The available data on variant occurrences in the general population are insufficient to allow any conclusion about variant significance. c.5660C>T has been reported in the literature in individuals affected with breast cancer as well as unaffected controls (example, Hadjisavvas_2004, Tabarestani_2018, Kim_2017, Neveling_2017, Loizidou_2017, Momozawa_2018, Dorling_2021, Okawa_2023). These report(s) do not provide unequivocal conclusions about association of the variant with Hereditary Breast And Ovarian Cancer Syndrome. At-least one co-occurrence with another pathogenic variant has been observed at our laboratory (BRCA1 c.3640G>T , p.Glu1214X), providing supporting evidence for a benign role. To our knowledge, no experimental evidence demonstrating an impact on protein function has been reported. The following publications have been ascertained in the context of this evaluation (PMID: 25348012, 33471991, 15172753, 28351343, 27882536, 30287823, 27974384, 36243179, 22895193,Tabarestani_2018). ClinVar contains an entry for this variant (Variation ID: 51901).Based on the evidence outlined above, the variant was classified as uncertain significance.

Color Diagnostics, LLC DBA Color Health
Classification: Uncertain significance for Hereditary cancer-predisposing syndrome. Last evaluated: 2024-01-31. Review status: criteria provided, single submitter. Criteria: ACMG Guidelines, 2015. Collection method: clinical testing. Allele origin: germline.
Comment: This missense variant replaces threonine with methionine at codon 1887 of the BRCA2 protein. Computational prediction suggests that this variant may not impact protein structure and function. To our knowledge, functional studies have not been reported for this variant. This variant has been reported in at least three suspected hereditary breast and ovarian cancer families (PMID: 15172753, 28351343, 29470806), over ten individuals affected with breast cancer (PMID: 30287823, 33471991, 35373174; Color internal data), and three individuals each affected with prostate and colorectal cancer (PMID: 31214711, 33309985). This variant also has been reported in at least eight unaffected individuals from breast, pancreatic, prostate and colorectal cancer case-control studies (PMID: 31214711, 32980694, 33309985, 33471991). This variant has been identified in 6/249646 chromosomes in the general population by the Genome Aggregation Database (gnomAD). The available evidence is insufficient to determine the role of this variant in disease conclusively. Therefore, this variant is classified as a Variant of Uncertain Significance.